The following is an entry in ClinVar:

ClinVar aggregate classification (germline): Uncertain significance (1 of 4 stars; one submission).

Allele frequency attached by ClinVar (database versions not stated): gnomAD exomes 0.00001.
gnomAD v4.1: 5 of 1,613,002 alleles (0.00031%); highest among the groups gnomAD compares: Admixed American, 0.0067%; no homozygotes.

Submission:

Labcorp Genetics (formerly Invitae), Labcorp
Classification: Uncertain significance. Last evaluated: 2023-12-07. Review status: criteria provided, single submitter. Criteria: Invitae Variant Classification Sherloc (09022015). Collection method: clinical testing. Allele origin: germline.
Comment: This sequence change replaces histidine, which is basic and polar, with arginine, which is basic and polar, at codon 79 of the GPX4 protein (p.His79Arg). This variant is present in population databases (no rsID available, gnomAD 0.0009%). This variant has not been reported in the literature in individuals affected with GPX4-related conditions. ClinVar contains an entry for this variant (Variation ID: 1941233). Experimental studies and prediction algorithms are not available or were not evaluated, and the functional significance of this variant is currently unknown. In summary, the available evidence is currently insufficient to determine the role of this variant in disease. Therefore, it has been classified as a Variant of Uncertain Significance.

NM_002085.5(GPX4):c.125A>G (p.His42Arg)

Gene: GPX4 (glutathione peroxidase 4; plus strand). Cytogenetic location: 19p13.3.
Variant type: single nucleotide variant.
Coding change: c.125A>G on transcript NM_002085.5 (MANE Select); coding-DNA position 125, A replaced by G.
Protein change: p.His42Arg; replaces histidine 42 with arginine.
Molecular consequence: missense variant.
Genome position (GRCh38, 1-based): chr19:1,105,226, A>G. VCF-style: chr19-1105226-A-G. GRCh37 (hg19) VCF-style: chr19-1105225-A-G.
Other names: c.125A>G, p.His42Arg (NM_001039847.3); c.236A>G, p.His79Arg (NM_001039848.4); c.44A>G, p.His15Arg (NM_001367832.1); short protein forms H79R, H15R, H42R.
Identifiers: ClinVar variation 1941233 (VCV001941233.5), dbSNP rs1045408258, ClinGen allele CA303993383.